The following is an entry in ClinVar:

NM_002474.3(MYH11):c.3294-9C>T

Gene: MYH11 (myosin heavy chain 11; minus strand). Cytogenetic location: 16p13.11.
Variant type: single nucleotide variant.
Coding change: c.3294-9C>T on transcript NM_002474.3 (MANE Select); 9 bases into the intron before coding-DNA position 3294, C replaced by T.
Molecular consequence: intron variant.
Genome position (GRCh38, 1-based): chr16:15,735,587, G>A on the plus strand (C>T on the coding strand, the complement: MYH11 is on the minus strand). VCF-style: chr16-15735587-G-A. GRCh37 (hg19) VCF-style: chr16-15829444-G-A.
Other names: c.3294-9C>T (NM_022844.3); c.3315-9C>T (NM_001040114.2, NM_001040113.2).
Identifiers: ClinVar variation 3075041 (VCV003075041.1), dbSNP rs1363586968, ClinGen allele CA718487520.

ClinVar aggregate classification (germline): Likely benign (1 of 4 stars; one submission).

Conditions:
Familial thoracic aortic aneurysm and aortic dissection (TAAD). Also called: Thoracic aortic aneurysms and dissections. Identifiers: Orphanet 91387, MedGen C4707243, MONDO:0019625.

Allele frequency attached by ClinVar (database versions not stated): TOPMed below 0.00001; gnomAD exomes below 0.00001.
gnomAD v4.1: 4 of 1,614,116 alleles (0.00025%); highest among the groups gnomAD compares: Non-Finnish European, 0.00034%; no homozygotes.

Submission:

All of Us Research Program, National Institutes of Health
Classification: Likely benign for Familial thoracic aortic aneurysm and aortic dissection. Last evaluated: 2023-12-18. Review status: criteria provided, single submitter. Criteria: ACMG Guidelines, 2015. Collection method: clinical testing. Allele origin: germline. Inheritance: Autosomal dominant inheritance. Observed: 1 variant allele, 1 heterozygote.
Comment: This study involves interpretation of variants in research participants for the purpose of population health screening. Participant phenotype was not available at the time of variant classification. Additional details can be found in publication PMID: 35346344, PMCID: PMC8962531